The following is an entry in ClinVar:

NC_000009.11:g.(?_135787659)_(135787854_?)del

Gene: TSC1 (TSC complex subunit 1; minus strand). Cytogenetic location: 9q34.13.
Variant type: Deletion.
Identifiers: ClinVar variation 3245181 (VCV003245181.1).

ClinVar aggregate classification (germline): Pathogenic (1 of 4 stars; one submission).

Conditions:
Tuberous sclerosis 1 (TSC1). Identifiers: Orphanet 805, MedGen C1854465, MONDO:0008612, OMIM 191100.

Submission:

Labcorp Genetics (formerly Invitae), Labcorp
Classification: Pathogenic for Tuberous sclerosis 1. Last evaluated: 2023-04-04. Review status: criteria provided, single submitter. Criteria: Invitae Variant Classification Sherloc (09022015). Collection method: clinical testing. Allele origin: unknown.
Comment: For these reasons, this variant has been classified as Pathogenic. This variant has not been reported in the literature in individuals affected with TSC1-related conditions. This variant is a gross deletion of the genomic region encompassing exon(s) 9 of the TSC1 gene. This deletion is out-of-frame, and is expected to create a premature termination codon and result in an absent or disrupted protein product. Loss-of-function variants in TSC1 are known to be pathogenic (PMID: 10227394, 17304050).

Literature cited by the submitters: PubMed 10227394; PubMed 17304050.